The following is an entry in ClinVar:

NM_000063.6(C2):c.943G>A (p.Asp315Asn)

Genes: C2 (complement C2; plus strand), C2-AS1 (C2 antisense RNA 1; minus strand). Cytogenetic location: 6p21.33.
Variant type: single nucleotide variant.
Coding change: c.943G>A on transcript NM_000063.6 (MANE Select); coding-DNA position 943, G replaced by A.
Protein change: p.Asp315Asn; replaces aspartic acid 315 with asparagine.
Molecular consequence: missense variant. On other transcripts: intron variant (1).
Genome position (GRCh38, 1-based): chr6:31,936,016, G>A. VCF-style: chr6-31936016-G-A. GRCh37 (hg19) VCF-style: chr6-31903793-G-A.
Other names: c.547G>A, p.Asp183Asn (NM_001145903.3); c.205G>A, p.Asp69Asn (NM_001282457.2); c.856G>A, p.Asp286Asn (NM_001282458.2); c.347-1303G>A (NM_001178063.3); short protein forms D286N, D183N, D315N, D69N.
Identifiers: ClinVar variation 1962615 (VCV001962615.5), dbSNP rs2482548268, ClinGen allele CA363370015.

ClinVar aggregate classification (germline): Uncertain significance (1 of 4 stars; one submission).

Submission:

Labcorp Genetics (formerly Invitae), Labcorp
Classification: Uncertain significance. Last evaluated: 2022-07-19. Review status: criteria provided, single submitter. Criteria: Invitae Variant Classification Sherloc (09022015). Collection method: clinical testing. Allele origin: germline.
Comment: This sequence change replaces aspartic acid, which is acidic and polar, with asparagine, which is neutral and polar, at codon 315 of the C2 protein (p.Asp315Asn). This variant is not present in population databases (gnomAD no frequency). This variant has not been reported in the literature in individuals affected with C2-related conditions. Algorithms developed to predict the effect of missense changes on protein structure and function are either unavailable or do not agree on the potential impact of this missense change (SIFT: "Deleterious"; PolyPhen-2: "Benign"; Align-GVGD: "Class C15"). In summary, the available evidence is currently insufficient to determine the role of this variant in disease. Therefore, it has been classified as a Variant of Uncertain Significance.